The following is an entry in ClinVar:

NM_000020.3(ACVRL1):c.214_219del (p.Leu72_His73del)

Gene: ACVRL1 (activin A receptor like type 1; plus strand). Cytogenetic location: 12q13.13.
Variant type: Deletion.
Coding change: c.214_219del on transcript NM_000020.3 (MANE Select); coding-DNA positions 214 to 219, 6 bases deleted (TTGCAC; older notation c.214_219delTTGCAC).
Protein change: p.Leu72_His73del.
Molecular consequence: inframe deletion. On other transcripts: inframe indel (8).
Genome position (GRCh38, 1-based): chr12:51,913,251-51,913,256, TTGCAC deleted; deleting any 6 consecutive bases within chr12:51,913,249-51,913,256 gives the same sequence; the c. name uses the placement nearest the transcript's 3' end. VCF-style (leftmost placement, unchanged base first): chr12-51913248-AACTTGC-A. GRCh37 (hg19) VCF-style: chr12-52307032-AACTTGC-A.
Other names: c.214_219del, p.Leu72_His73del (NM_001077401.2); c.214_219delTTGCAC, p.Leu72_His73del (NM_001406487.1, NM_001406488.1, NM_001406489.1 and 5 more transcripts).
Identifiers: ClinVar variation 1786575 (VCV001786575.2), dbSNP rs2540158828, ClinGen allele CA2580086441.

ClinVar aggregate classification (germline): Uncertain significance (1 of 4 stars; one submission).

Conditions:
Cardiovascular phenotype. Identifiers: MedGen CN230736.

Submission:

Ambry Genetics
Classification: Uncertain significance for Cardiovascular phenotype. Last evaluated: 2018-04-18. Review status: criteria provided, single submitter. Criteria: Ambry Variant Classification Scheme 2023. Collection method: clinical testing. Allele origin: germline.
Comment: The c.214_219delTTGCAC variant (also known as p.L72_H73del) is located in coding exon 2 of the ACVRL1 gene. This variant results from an in-frame TTGCAC deletion at nucleotide positions 214 to 219. This results in the in-frame deletion of two amino acids (leucine and histidine) at codons 72 and 73, which are not well conserved. This alteration was detected in an individual referred for hereditary hemorrhagic telangiectasia (HHT) genetic testing who had epistaxis and positive family history, and was indicated to also have another variant in an HHT-associated gene (McDonald J et al. Clin. Genet., 2011 Apr;79:335-44). Since supporting evidence is limited at this time, the clinical significance of this alteration remains unclear.

Literature cited by the submitters: PubMed 21158752.